The following is an entry in ClinVar:

ClinVar aggregate classification (germline): Pathogenic (1 of 4 stars; one submission).

gnomAD v4.1: 3 of 1,614,094 alleles (0.00019%); highest among the groups gnomAD compares: African/African-American, 0.0013%; no homozygotes.

Submission:

Labcorp Genetics (formerly Invitae), Labcorp
Classification: Pathogenic. Last evaluated: 2024-09-29. Review status: criteria provided, single submitter. Criteria: Invitae Variant Classification Sherloc (09022015). Collection method: clinical testing. Allele origin: germline.
Comment: This sequence change creates a premature translational stop signal (p.Gln238*) in the PPOX gene. It is expected to result in an absent or disrupted protein product. Loss-of-function variants in PPOX are known to be pathogenic (PMID: 10486317). This variant is present in population databases (rs770279631, gnomAD 0.007%). This variant has not been reported in the literature in individuals affected with PPOX-related conditions. Algorithms developed to predict the effect of sequence changes on RNA splicing suggest that this variant may disrupt the consensus splice site. For these reasons, this variant has been classified as Pathogenic.

Literature cited by the submitters: PubMed 10486317.

NM_001122764.3(PPOX):c.712C>T (p.Gln238Ter)

Gene: PPOX (protoporphyrinogen oxidase; plus strand). Cytogenetic location: 1q23.3.
Variant type: single nucleotide variant.
Coding change: c.712C>T on transcript NM_001122764.3 (MANE Select); coding-DNA position 712, C replaced by T.
Protein change: p.Gln238Ter; replaces glutamine 238 with a stop codon.
Molecular consequence: nonsense.
Genome position (GRCh38, 1-based): chr1:161,169,088, C>T. VCF-style: chr1-161169088-C-T. GRCh37 (hg19) VCF-style: chr1-161138878-C-T.
Other names: c.712C>T, p.Gln238Ter (NM_000309.5, NM_001365398.1, NM_001365399.1); c.613C>T, p.Gln205Ter (NM_001350128.2); c.304C>T, p.Gln102Ter (NM_001350129.2, NM_001365400.1); c.226C>T, p.Gln76Ter (NM_001350130.2, NM_001350131.2, NM_001365401.1); short protein forms Q102*, Q205*, Q238*, Q76*.
Identifiers: ClinVar variation 3611353 (VCV003611353.2).